The following is an entry in ClinVar:

NM_004333.6(BRAF):c.422C>T (p.Pro141Leu)

Gene: BRAF (B-Raf proto-oncogene, serine/threonine kinase; minus strand). Cytogenetic location: 7q34.
Variant type: single nucleotide variant.
Coding change: c.422C>T on transcript NM_004333.6 (MANE Select); coding-DNA position 422, C replaced by T.
Protein change: p.Pro141Leu; replaces proline 141 with leucine.
Molecular consequence: missense variant. On other transcripts: intron variant (1).
Genome position (GRCh38, 1-based): chr7:140,834,691, G>A on the plus strand (C>T on the coding strand, the complement: BRAF is on the minus strand). VCF-style: chr7-140834691-G-A. GRCh37 (hg19) VCF-style: chr7-140534491-G-A.
Other names: c.422C>T, p.Pro141Leu (NM_001354609.2, NM_001374244.1, NM_001374258.1 and 5 more transcripts); c.320C>T, p.Pro107Leu (NM_001378470.1); c.266C>T, p.Pro89Leu (NM_001378472.1, NM_001378473.1); c.240+15420C>T (NM_001378475.1); short protein forms P107L, P141L, P89L.
Identifiers: ClinVar variation 3373587 (VCV003373587.1).

ClinVar aggregate classification (germline): Uncertain significance (1 of 4 stars; one submission).

Submission:

GeneDx
Classification: Uncertain significance. Last evaluated: 2024-03-26. Review status: criteria provided, single submitter. Criteria: GeneDx Variant Classification Process June 2021. Collection method: clinical testing. Allele origin: germline. Affected: yes.
Comment: Not observed at significant frequency in large population cohorts (gnomAD); Missense variants in this gene are a common cause of disease and they are underrepresented in the general population; In silico analysis supports that this missense variant does not alter protein structure/function; Has not been previously published as pathogenic or benign to our knowledge